The following is an entry in ClinVar:

NM_000179.3(MSH6):c.3646+3_3646+6dup

Gene: MSH6 (mutS homolog 6; plus strand). Cytogenetic location: 2p16.3.
Variant type: Duplication.
Coding change: c.3646+3_3646+6dup on transcript NM_000179.3 (MANE Select); bases 3 to 6 of the intron after coding-DNA position 3646, 4 bases duplicated (AAGA; older notation c.3646+3_3646+6dupAAGA).
Molecular consequence: intron variant.
Genome position (GRCh38, 1-based): chr2:47,805,710-47,805,713, AAGA duplicated. VCF-style (leftmost placement, unchanged base first): chr2-47805709-T-TAAGA. GRCh37 (hg19) VCF-style: chr2-48032848-T-TAAGA.
Other names: c.2740+3_2740+6dup (NM_001406829.1, NM_001406823.1, NM_001281494.2 and 6 more transcripts); c.3349+3_3349+6dup (NM_001406827.1, NM_001406824.1, NM_001406820.1 and 10 more transcripts); c.493+3_493+6dup (NM_001406832.1); c.427+3_427+6dup (NM_001406831.1); c.3478+3_3478+6dup (NM_001406826.1); c.3121+3_3121+6dup (NM_001406806.1, NM_001406807.1, NM_001406799.1); c.3646+3_3646+6dup (NM_001406809.1, NM_001406796.1, NM_001406808.1 and 1 more transcripts); c.3742+3_3742+6dup (NM_001406795.1, NM_001406802.1); and 7 more.
Identifiers: ClinVar variation 3296403 (VCV003296403.2).

ClinVar aggregate classification (germline): Likely benign. Review status: criteria provided, multiple submitters, no conflicts (2 of 4 stars). 2 submissions from 2 submitters: Likely benign (2). Last evaluated 2025-01-07.

Conditions:
Lynch syndrome 5 (LYNCH5). Also called: Hereditary non-polyposis colorectal cancer, type 5; Colorectal cancer, hereditary nonpolyposis, type 5. Identifiers: Orphanet 144, MedGen C1833477, MONDO:0013710, OMIM 614350. Disease mechanism: loss of function.
Hereditary cancer-predisposing syndrome. Also called: Tumor predisposition; Hereditary Cancer Syndrome; Hereditary neoplastic syndrome; Neoplastic Syndromes, Hereditary. Identifiers: Orphanet 140162, MedGen C0027672, MeSH D009386, MONDO:0015356.

Submissions (2):

Myriad Genetics, Inc.
Classification: Likely benign for Lynch syndrome 5. Last evaluated: 2025-01-07. Review status: criteria provided, single submitter. Criteria: Myriad Autosomal Dominant, Autosomal Recessive and X-Linked Classification Criteria (2023). Collection method: clinical testing. Allele origin: unknown.
Comment: This variant is considered likely benign. This variant is intronic and is not expected to impact mRNA splicing.

Ambry Genetics
Classification: Likely benign for Hereditary cancer-predisposing syndrome. Last evaluated: 2024-05-29. Review status: criteria provided, single submitter. Criteria: Ambry Variant Classification Scheme 2023. Collection method: clinical testing. Allele origin: germline.